The following is an entry in ClinVar:

ClinVar aggregate classification (germline): Pathogenic (1 of 4 stars; one submission).

Conditions:
Hereditary hemorrhagic telangiectasia (HHT). Also called: ORW DISEASE; Osler Weber Rendu syndrome; OSLER-RENDU-WEBER DISEASE; Osler hemorrhagic telangiectasia syndrome. Identifiers: Orphanet 774, MedGen C0039445, MONDO:0019180. Disease mechanism: loss of function.

Submission:

Labcorp Genetics (formerly Invitae), Labcorp
Classification: Pathogenic for Hereditary hemorrhagic telangiectasia. Last evaluated: 2025-08-17. Review status: criteria provided, single submitter. Criteria: Invitae Variant Classification Sherloc (09022015). Collection method: clinical testing. Allele origin: germline.
Comment: This sequence change creates a premature translational stop signal (p.Val250Argfs*84) in the ENG gene. It is expected to result in an absent or disrupted protein product. Loss-of-function variants in ENG are known to be pathogenic (PMID: 15879500). This variant is not present in population databases (gnomAD no frequency). This variant has not been reported in the literature in individuals affected with ENG-related conditions. For these reasons, this variant has been classified as Pathogenic.

Literature cited by the submitters: PubMed 15879500.

NM_001114753.3(ENG):c.747dup (p.Val250fs)

Gene: ENG (endoglin; minus strand). Cytogenetic location: 9q34.11.
Variant type: Duplication.
Coding change: c.747dup on transcript NM_001114753.3 (MANE Select); coding-DNA position 747, one base duplicated (C; older notation c.747dupC).
Protein change: p.Val250fs; shifts the reading frame from valine 250.
Molecular consequence: frameshift variant.
Genome position (GRCh38, 1-based): chr9:127,825,300, G duplicated on the plus strand (C on the coding strand, the reverse complement: ENG is on the minus strand); the first of 2 consecutive G bases (chr9:127,825,300-127,825,301); duplicating either gives the same sequence. VCF-style (leftmost placement, unchanged base first): chr9-127825299-C-CG. GRCh37 (hg19) VCF-style: chr9-130587578-C-CG.
Other names: c.747dup, p.Val250fs (NM_000118.4, NM_001406715.1); c.201dup, p.Val68fs (NM_001278138.2); short protein forms V250fs, V68fs.
Identifiers: ClinVar variation 4725560 (VCV004725560.1).